The following is an entry in ClinVar:

NM_000318.3(PEX2):c.584T>C (p.Leu195Pro)

Gene: PEX2 (peroxisomal biogenesis factor 2; minus strand). Cytogenetic location: 8q21.13.
Variant type: single nucleotide variant.
Coding change: c.584T>C on transcript NM_000318.3 (MANE Select); coding-DNA position 584, T replaced by C.
Protein change: p.Leu195Pro; replaces leucine 195 with proline.
Molecular consequence: missense variant.
Genome position (GRCh38, 1-based): chr8:76,983,595, A>G on the plus strand (T>C on the coding strand, the complement: PEX2 is on the minus strand). VCF-style: chr8-76983595-A-G. GRCh37 (hg19) VCF-style: chr8-77895831-A-G.
Other names: c.584T>C, p.Leu195Pro (NM_001079867.2, NM_001172086.2, NM_001172087.2); short protein forms L195P.
Identifiers: ClinVar variation 2161468 (VCV002161468.3), dbSNP rs995161736, ClinGen allele CA179988262.

ClinVar aggregate classification (germline): Uncertain significance (1 of 4 stars; one submission).

Conditions:
Peroxisome biogenesis disorder 5A (Zellweger) (PBD5A). Identifiers: Orphanet 912, MedGen C3553940, MONDO:0013932, OMIM 614866.

Allele frequency attached by ClinVar (database versions not stated): gnomAD exomes below 0.00001; gnomAD 0.00001; TOPMed 0.00003.
gnomAD v4.1: 5 of 1,614,030 alleles (0.00031%); highest among the groups gnomAD compares: Non-Finnish European, 0.00042%; no homozygotes.

Submission:

Labcorp Genetics (formerly Invitae), Labcorp
Classification: Uncertain significance for Peroxisome biogenesis disorder 5A (Zellweger). Last evaluated: 2023-07-17. Review status: criteria provided, single submitter. Criteria: Invitae Variant Classification Sherloc (09022015). Collection method: clinical testing. Allele origin: germline.
Comment: This sequence change replaces leucine, which is neutral and non-polar, with proline, which is neutral and non-polar, at codon 195 of the PEX2 protein (p.Leu195Pro). This variant is present in population databases (no rsID available, gnomAD 0.002%). This variant has not been reported in the literature in individuals affected with PEX2-related conditions. ClinVar contains an entry for this variant (Variation ID: 2161468). Advanced modeling of protein sequence and biophysical properties (such as structural, functional, and spatial information, amino acid conservation, physicochemical variation, residue mobility, and thermodynamic stability) performed at Invitae indicates that this missense variant is expected to disrupt PEX2 protein function. In summary, the available evidence is currently insufficient to determine the role of this variant in disease. Therefore, it has been classified as a Variant of Uncertain Significance.